The following is an entry in ClinVar:

NM_133459.4(CCBE1):c.778T>C (p.Ser260Pro)

Gene: CCBE1 (collagen and calcium binding EGF domains 1; minus strand). Cytogenetic location: 18q21.32.
Variant type: single nucleotide variant.
Coding change: c.778T>C on transcript NM_133459.4 (MANE Select); coding-DNA position 778, T replaced by C.
Protein change: p.Ser260Pro; replaces serine 260 with proline.
Molecular consequence: missense variant.
Genome position (GRCh38, 1-based): chr18:59,439,814, A>G on the plus strand (T>C on the coding strand, the complement: CCBE1 is on the minus strand). VCF-style: chr18-59439814-A-G. GRCh37 (hg19) VCF-style: chr18-57107046-A-G.
Other names: short protein forms S260P.
Identifiers: ClinVar variation 3609288 (VCV003609288.2).

ClinVar aggregate classification (germline): Uncertain significance (1 of 4 stars; one submission).

gnomAD v4.1: 3 of 1,613,676 alleles (0.00019%); highest among the groups gnomAD compares: Admixed American, 0.005%; no homozygotes.

Submission:

Labcorp Genetics (formerly Invitae), Labcorp
Classification: Uncertain significance. Last evaluated: 2024-03-11. Review status: criteria provided, single submitter. Criteria: Invitae Variant Classification Sherloc (09022015). Collection method: clinical testing. Allele origin: germline.
Comment: This sequence change replaces serine, which is neutral and polar, with proline, which is neutral and non-polar, at codon 260 of the CCBE1 protein (p.Ser260Pro). This variant is present in population databases (rs748503900, gnomAD 0.009%). This variant has not been reported in the literature in individuals affected with CCBE1-related conditions. An algorithm developed to predict the effect of missense changes on protein structure and function (PolyPhen-2) suggests that this variant is likely to be disruptive. In summary, the available evidence is currently insufficient to determine the role of this variant in disease. Therefore, it has been classified as a Variant of Uncertain Significance.